The following is an entry in ClinVar:

ClinVar aggregate classification (germline): Conflicting classifications of pathogenicity. Review status: criteria provided, conflicting classifications (1 of 4 stars). 2 submissions from 2 submitters: Uncertain significance (1); Likely benign (1). Last evaluated 2026-04-14.

Allele frequency attached by ClinVar (database versions not stated): ESP Exome Variant Server 0.00008; gnomAD exomes 0.00016 and 0.00007; ExAC 0.00029; gnomAD 0.00007; TOPMed 0.00009.
gnomAD v4.1: 118 of 1,572,934 alleles (0.0075%); highest among the groups gnomAD compares: Non-Finnish European, 0.0016%; no homozygotes.

Submissions (2):

GeneDx
Classification: Uncertain significance. Last evaluated: 2026-04-14. Review status: criteria provided, single submitter. Criteria: GeneDx Variant Classification Process June 2021. Collection method: clinical testing. Allele origin: germline.
Comment: In silico analysis supports that this missense variant has a deleterious effect on protein structure/function; Has not been previously published as pathogenic or benign to our knowledge

Labcorp Genetics (formerly Invitae), Labcorp
Classification: Likely benign. Last evaluated: 2024-02-02. Review status: criteria provided, single submitter. Criteria: Invitae Variant Classification Sherloc (09022015). Collection method: clinical testing. Allele origin: germline.

NM_006059.4(LAMC3):c.359T>C (p.Ile120Thr)

Gene: LAMC3 (laminin subunit gamma 3; plus strand). Cytogenetic location: 9q34.12.
Variant type: single nucleotide variant.
Coding change: c.359T>C on transcript NM_006059.4 (MANE Select); coding-DNA position 359, T replaced by C.
Protein change: p.Ile120Thr; replaces isoleucine 120 with threonine.
Molecular consequence: missense variant.
Genome position (GRCh38, 1-based): chr9:131,009,573, T>C. VCF-style: chr9-131009573-T-C. GRCh37 (hg19) VCF-style: chr9-133884960-T-C.
Other names: c.359T>C (NM_006059.3); short protein forms I120T.
Identifiers: ClinVar variation 1636011 (VCV001636011.9), dbSNP rs150559384, ClinGen allele CA5286655.